The following is an entry in ClinVar:

ClinVar aggregate classification (germline): Uncertain significance (1 of 4 stars; one submission).

Conditions:
Nemaline myopathy 2 (NEM2). Also called: Nemaline myopathy 2, autosomal recessive. Identifiers: MedGen C1850569, MONDO:0009725, OMIM 256030.

Submission:

Labcorp Genetics (formerly Invitae), Labcorp
Classification: Uncertain significance for Nemaline myopathy 2. Last evaluated: 2022-09-27. Review status: criteria provided, single submitter. Criteria: Invitae Variant Classification Sherloc (09022015). Collection method: clinical testing. Allele origin: germline.
Comment: This sequence change replaces tyrosine, which is neutral and polar, with phenylalanine, which is neutral and non-polar, at codon 1900 of the NEB protein (p.Tyr1900Phe). This variant is not present in population databases (gnomAD no frequency). This variant has not been reported in the literature in individuals affected with NEB-related conditions. Algorithms developed to predict the effect of missense changes on protein structure and function are either unavailable or do not agree on the potential impact of this missense change (SIFT: "Deleterious"; PolyPhen-2: "Not Available"; Align-GVGD: "Class C0"). In summary, the available evidence is currently insufficient to determine the role of this variant in disease. Therefore, it has been classified as a Variant of Uncertain Significance.

NM_001164508.2(NEB):c.5699A>T (p.Tyr1900Phe)

Gene: NEB (nebulin; minus strand). Cytogenetic location: 2q23.3.
Variant type: single nucleotide variant.
Coding change: c.5699A>T on transcript NM_001164508.2 (MANE Select); coding-DNA position 5699, A replaced by T.
Protein change: p.Tyr1900Phe; replaces tyrosine 1900 with phenylalanine.
Molecular consequence: missense variant.
Genome position (GRCh38, 1-based): chr2:151,663,612, T>A on the plus strand (A>T on the coding strand, the complement: NEB is on the minus strand). VCF-style: chr2-151663612-T-A. GRCh37 (hg19) VCF-style: chr2-152520126-T-A.
Other names: c.5699A>T, p.Tyr1900Phe (NM_001164507.2, NM_001271208.2, NM_004543.5); short protein forms Y1900F.
Identifiers: ClinVar variation 2154422 (VCV002154422.1), dbSNP rs776163557, ClinGen allele CA348807629.